The following is an entry in ClinVar:

ClinVar aggregate classification (germline): Likely benign (1 of 4 stars; one submission).

Allele frequency attached by ClinVar (database versions not stated): ESP Exome Variant Server 0.00047; 1000 Genomes Project 0.00060; 1000 Genomes Project 30x 0.00062; TOPMed 0.00107; gnomAD 0.00197; ExAC 0.00276.
gnomAD v4.1: 3,309 of 1,607,948 alleles (0.21%); highest among the groups gnomAD compares: Non-Finnish European, 0.2%; 4 homozygotes.

Submissions (4):

CeGaT Center for Human Genetics Tuebingen
Classification: Likely benign. Last evaluated: 2023-01-01. Review status: criteria provided, single submitter. Criteria: CeGaT Center For Human Genetics Tuebingen Variant Classification Criteria Version 2. Collection method: clinical testing. Allele origin: germline. Affected: yes. Observed: 1 variant allele.
Comment: NINL: BP4, BP7

Dr. Peter K. Rogan Lab, Western University
No classification provided (evidence only). Condition: Lung cancer. Review status: no classification provided. Collection method: in vitro. Allele origin: not applicable. Functional consequence: skipped exon. Not counted in ClinVar's aggregate classification.

Dr. Peter K. Rogan Lab, Western University
No classification provided (evidence only). Condition: Uterine corpus endometrial carcinoma. Review status: no classification provided. Collection method: in vitro. Allele origin: not applicable. Functional consequence: retained intron. Not counted in ClinVar's aggregate classification.

Dr. Peter K. Rogan Lab, Western University
No classification provided (evidence only). Condition: Ovarian serous cystadenocarcinoma. Review status: no classification provided. Collection method: in vitro. Allele origin: not applicable. Functional consequence: retained intron. Not counted in ClinVar's aggregate classification.

NM_025176.6(NINL):c.2904C>T (p.Cys968=)

Gene: NINL (ninein like; minus strand). Cytogenetic location: 20p11.21.
Variant type: single nucleotide variant.
Coding change: c.2904C>T on transcript NM_025176.6 (MANE Select); coding-DNA position 2904, C replaced by T.
Protein change: p.Cys968=; no amino-acid change (cysteine 968 retained).
Molecular consequence: synonymous variant. On other transcripts: intron variant (1).
Genome position (GRCh38, 1-based): chr20:25,476,387, G>A on the plus strand (C>T on the coding strand, the complement: NINL is on the minus strand). VCF-style: chr20-25476387-G-A. GRCh37 (hg19) VCF-style: chr20-25457023-G-A.
Other names: NC_000020.10:g.25457023G>A; c.2201+2536C>T (NM_001318226.2).
Identifiers: ClinVar variation 2652250 (VCV002652250.25), dbSNP rs148788361, ClinGen allele CA9797155.